The following is an entry in ClinVar:

ClinVar aggregate classification (germline): Uncertain significance (1 of 4 stars; one submission).

Conditions:
Primary dilated cardiomyopathy (DCM). Also called: Dilated Cardiomyopathy. Identifiers: Orphanet 217604, MedGen C0007193, MeSH D002311, MONDO:0005021, HP:0001644. Inheritance: Various modes of inheritance.

gnomAD v4.1: 2 of 1,612,806 alleles (0.00012%); highest among the groups gnomAD compares: Non-Finnish European, 0.00017%; no homozygotes.

Submission:

All of Us Research Program, National Institutes of Health
Classification: Uncertain significance for Primary dilated cardiomyopathy. Last evaluated: 2023-12-13. Review status: criteria provided, single submitter. Criteria: ACMG Guidelines, 2015. Collection method: clinical testing. Allele origin: germline. Inheritance: Autosomal dominant inheritance. Observed: 1 variant allele, 1 heterozygote.
Comment: This missense variant replaces arginine with glycine at codon 99 of the LMNA protein. Computational prediction suggests that this variant may have deleterious impact on protein structure and function (internally defined REVEL score threshold >= 0.7, PMID: 27666373). To our knowledge, functional studies have not been reported for this variant. This variant has not been reported in individuals affected with LMNA-related disorders in the literature. This variant has not been identified in the general population by the Genome Aggregation Database (gnomAD). The available evidence is insufficient to determine the role of this variant in disease conclusively. Therefore, this variant is classified as a Variant of Uncertain Significance.

This study involves interpretation of variants in research participants for the purpose of population health screening. Participant phenotype was not available at the time of variant classification. Additional details can be found in publication PMID: 35346344, PMCID: PMC8962531

NM_170707.4(LMNA):c.295C>G (p.Arg99Gly)

Gene: LMNA (lamin A/C; plus strand). Cytogenetic location: 1q22.
Variant type: single nucleotide variant.
Coding change: c.295C>G on transcript NM_170707.4 (MANE Select); coding-DNA position 295, C replaced by G.
Protein change: p.Arg99Gly; replaces arginine 99 with glycine.
Molecular consequence: missense variant. On other transcripts: 5 prime UTR variant (8), intron variant (2).
Genome position (GRCh38, 1-based): chr1:156,115,213, C>G. VCF-style: chr1-156115213-C-G. GRCh37 (hg19) VCF-style: chr1-156085004-C-G.
Other names: c.295C>G, p.Arg99Gly (NM_001282625.2, NM_001282626.2, NM_001406983.1 and 6 more transcripts); c.-129C>G (NM_001406986.1); c.-107C>G (NM_001406990.1, NM_001406995.1, NM_001407002.1); c.-370C>G (NM_001406994.1, NM_001407000.1); c.-550C>G (NM_001406999.1); c.-213C>G (NM_001407001.1); c.-203+8390C>G (NM_001406993.1, NM_001407003.1); short protein forms R99G.
Identifiers: ClinVar variation 3074892 (VCV003074892.1), dbSNP rs886045364, ClinGen allele CA342808664.